The following is an entry in ClinVar:

ClinVar aggregate classification (germline): Pathogenic (1 of 4 stars; one submission).

Conditions:
Multiple endocrine neoplasia type 4. Also called: MULTIPLE ENDOCRINE NEOPLASIA, TYPE IV. Identifiers: Orphanet 276152, MedGen C1970712, MONDO:0012552, OMIM 610755.

Submission:

Labcorp Genetics (formerly Invitae), Labcorp
Classification: Pathogenic for Multiple endocrine neoplasia type 4. Last evaluated: 2024-01-05. Review status: criteria provided, single submitter. Criteria: Invitae Variant Classification Sherloc (09022015). Collection method: clinical testing. Allele origin: germline.
Comment: This sequence change creates a premature translational stop signal (p.Asn3Lysfs*39) in the CDKN1B gene. It is expected to result in an absent or disrupted protein product. Loss-of-function variants in CDKN1B are known to be pathogenic (PMID: 17030811, 24819502). This variant is not present in population databases (gnomAD no frequency). This variant has not been reported in the literature in individuals affected with CDKN1B-related conditions. For these reasons, this variant has been classified as Pathogenic.

Literature cited by the submitters: PubMed 17030811; PubMed 24819502.

NM_004064.5(CDKN1B):c.9del (p.Asn3fs)

Gene: CDKN1B (cyclin dependent kinase inhibitor 1B; plus strand). Cytogenetic location: 12p13.1.
Variant type: Deletion.
Coding change: c.9del on transcript NM_004064.5 (MANE Select); coding-DNA position 9, one base deleted (C; older notation c.9delC).
Protein change: p.Asn3fs; shifts the reading frame from asparagine 3.
Molecular consequence: frameshift variant.
Genome position (GRCh38, 1-based): chr12:12,717,848, C deleted. VCF-style (leftmost placement, unchanged base first): chr12-12717847-AC-A. GRCh37 (hg19) VCF-style: chr12-12870781-AC-A.
Other names: short protein forms N3fs.
Identifiers: ClinVar variation 2707728 (VCV002707728.3), dbSNP rs2497403571, ClinGen allele CA2697559108.